The following is an entry in ClinVar:

ClinVar aggregate classification (germline): Likely pathogenic (1 of 4 stars; one submission).

Conditions:
Autosomal dominant Alport syndrome (ATS3A). Also called: Alport syndrome dominant type; Renal failure and sensorineural hearing loss; ALPORT SYNDROME 3A, AUTOSOMAL DOMINANT. Identifiers: Orphanet 63, Orphanet 88918, MedGen C5882663, MONDO:0007086, OMIM 104200.

Submission:

MVZ Medizinische Genetik Mainz
Classification: Likely pathogenic for Autosomal dominant Alport syndrome. Last evaluated: 2024-01-19. Review status: criteria provided, single submitter. Criteria: UK Practice Guidelines For Variant Classification V4 01 2020. Collection method: clinical testing. Allele origin: germline. Inheritance: Autosomal dominant inheritance. Affected: yes. Observed: 1 variant allele.
Comment: ACMG Criteria: PM1_STR,PM2_SUP,PP3,PP4

NM_000091.5(COL4A3):c.317G>T (p.Gly106Val)

Genes: MFF-DT (MFF divergent transcript; minus strand), COL4A3 (collagen type IV alpha 3 chain; plus strand). Cytogenetic location: 2q36.3.
Variant type: single nucleotide variant.
Coding change: c.317G>T on transcript NM_000091.5 (MANE Select); coding-DNA position 317, G replaced by T.
Protein change: p.Gly106Val; replaces glycine 106 with valine.
Molecular consequence: missense variant.
Genome position (GRCh38, 1-based): chr2:227,244,988, G>T. VCF-style: chr2-227244988-G-T. GRCh37 (hg19) VCF-style: chr2-228109704-G-T.
Other names: short protein forms G106V.
Identifiers: ClinVar variation 3236817 (VCV003236817.1), dbSNP rs1043352257.